The following is an entry in ClinVar:

ClinVar aggregate classification (germline): Uncertain significance (1 of 4 stars; one submission).

Conditions:
Developmental and epileptic encephalopathy, 32 (DEE32). Also called: Epileptic encephalopathy, early infantile, 32. Identifiers: Orphanet 442835, MedGen C4225350, MONDO:0014607, OMIM 616366.

Submission:

MVZ Medizinische Genetik Mainz
Classification: Uncertain significance for Developmental and epileptic encephalopathy, 32. Last evaluated: 2023-08-25. Review status: criteria provided, single submitter. Criteria: UK Practice Guidelines For Variant Classification V4 01 2020. Collection method: clinical testing. Allele origin: germline. Inheritance: Autosomal dominant inheritance. Affected: yes. Observed: 1 variant allele.
Comment: ACMG Criteria: PP3_MOD,PM2_SUP,PP2

NM_004974.4(KCNA2):c.980A>G (p.Glu327Gly)

Gene: KCNA2 (potassium voltage-gated channel subfamily A member 2; minus strand). Cytogenetic location: 1p13.3.
Variant type: single nucleotide variant.
Coding change: c.980A>G on transcript NM_004974.4 (MANE Select); coding-DNA position 980, A replaced by G.
Protein change: p.Glu327Gly; replaces glutamic acid 327 with glycine.
Molecular consequence: missense variant. On other transcripts: intron variant (1).
Genome position (GRCh38, 1-based): chr1:110,603,803, T>C on the plus strand (A>G on the coding strand, the complement: KCNA2 is on the minus strand). VCF-style: chr1-110603803-T-C. GRCh37 (hg19) VCF-style: chr1-111146425-T-C.
Other names: c.894+86A>G (NM_001204269.2); short protein forms E327G.
Identifiers: ClinVar variation 4526535 (VCV004526535.1).